The following is an entry in ClinVar:

NM_139318.5(KCNH5):c.918C>T (p.Ile306=)

Gene: KCNH5 (potassium voltage-gated channel subfamily H member 5; minus strand). Cytogenetic location: 14q23.2.
Variant type: single nucleotide variant.
Coding change: c.918C>T on transcript NM_139318.5 (MANE Select); coding-DNA position 918, C replaced by T.
Protein change: p.Ile306=; no amino-acid change (isoleucine 306 retained).
Molecular consequence: synonymous variant.
Genome position (GRCh38, 1-based): chr14:62,980,896, G>A on the plus strand (C>T on the coding strand, the complement: KCNH5 is on the minus strand). VCF-style: chr14-62980896-G-A. GRCh37 (hg19) VCF-style: chr14-63447614-G-A.
Other names: c.918C>T, p.Ile306= (NM_172375.3).
Identifiers: ClinVar variation 2825926 (VCV002825926.3), dbSNP rs2503044328, ClinGen allele CA486975075.

ClinVar aggregate classification (germline): Uncertain significance (1 of 4 stars; one submission).

Conditions:
Early-infantile DEE. Also called: Early infantile epileptic encephalopathy; Early infantile epileptic encephalopathy with suppression bursts; Ohtahara syndrome. Identifiers: Orphanet 1934, MedGen C0393706, MONDO:0800491.

Submission:

Labcorp Genetics (formerly Invitae), Labcorp
Classification: Uncertain significance for Early-infantile DEE. Last evaluated: 2023-04-14. Review status: criteria provided, single submitter. Criteria: Invitae Variant Classification Sherloc (09022015). Collection method: clinical testing. Allele origin: germline.
Comment: In summary, the available evidence is currently insufficient to determine the role of this variant in disease. Therefore, it has been classified as a Variant of Uncertain Significance. Algorithms developed to predict the effect of sequence changes on RNA splicing suggest that this variant may disrupt the consensus splice site. This variant has not been reported in the literature in individuals affected with KCNH5-related conditions. This variant is not present in population databases (gnomAD no frequency). This sequence change affects codon 306 of the KCNH5 mRNA. It is a 'silent' change, meaning that it does not change the encoded amino acid sequence of the KCNH5 protein.